The following is an entry in ClinVar:

ClinVar aggregate classification (germline): Pathogenic/Likely pathogenic. Review status: criteria provided, multiple submitters, no conflicts (2 of 4 stars). 3 submissions from 3 submitters: Pathogenic (1); Likely pathogenic (1). 1 of the submissions does not count toward it. Last evaluated 2023-07-08.

Conditions:
ERCC6L2-related disorders.
ERCC6L2-related disorder. Also called: ERCC6L2-related condition.

Allele frequency attached by ClinVar (database versions not stated): gnomAD 0.00001; gnomAD exomes 0.00002.
gnomAD v4.1: 27 of 1,613,680 alleles (0.0017%); highest among the groups gnomAD compares: Non-Finnish European, 0.0021%; no homozygotes.

Submissions (3):

Labcorp Genetics (formerly Invitae), Labcorp
Classification: Pathogenic. Last evaluated: 2023-07-08. Review status: criteria provided, single submitter. Criteria: Invitae Variant Classification Sherloc (09022015). Collection method: clinical testing. Allele origin: germline.
Comment: For these reasons, this variant has been classified as Pathogenic. This variant has not been reported in the literature in individuals affected with ERCC6L2-related conditions. This variant is not present in population databases (gnomAD no frequency). This sequence change creates a premature translational stop signal (p.Gly312*) in the ERCC6L2 gene. It is expected to result in an absent or disrupted protein product. Loss-of-function variants in ERCC6L2 are known to be pathogenic (PMID: 24507776, 27185855, 29146883, 29987015).

Blueprint Genetics
Classification: Likely pathogenic for ERCC6L2-related disorders. Last evaluated: 2021-08-06. Review status: criteria provided, single submitter. Criteria: ACMG Guidelines, 2015. Collection method: clinical testing. Allele origin: germline. Affected: yes. Observed: 1 variant allele.

PreventionGenetics, part of Exact Sciences
Classification: Likely pathogenic for ERCC6L2-related condition. Last evaluated: 2024-03-06. Review status: no assertion criteria provided. Collection method: clinical testing. Allele origin: germline. Not counted in ClinVar's aggregate classification.
Comment: The ERCC6L2 c.934G>T variant is predicted to result in premature protein termination (p.Gly312*). To our knowledge, this variant has not been reported in the literature or in a large population database, indicating this variant is rare. Nonsense variants in ERCC6L2 are expected to be pathogenic. This variant is interpreted as likely pathogenic.

Literature cited by the submitters: PubMed 24507776 (cited by Labcorp Genetics (formerly Invitae), Labcorp); PubMed 27185855 (cited by Labcorp Genetics (formerly Invitae), Labcorp); PubMed 29146883 (cited by Labcorp Genetics (formerly Invitae), Labcorp); PubMed 29987015 (cited by Labcorp Genetics (formerly Invitae), Labcorp).

NM_020207.7(ERCC6L2):c.901G>T (p.Gly301Ter)

Gene: ERCC6L2 (ERCC excision repair 6 like 2; plus strand). Cytogenetic location: 9q22.32.
Variant type: single nucleotide variant.
Coding change: c.901G>T on transcript NM_020207.7 (MANE Select); coding-DNA position 901, G replaced by T.
Protein change: p.Gly301Ter; replaces glycine 301 with a stop codon.
Molecular consequence: nonsense. On other transcripts: non-coding transcript variant (1).
Genome position (GRCh38, 1-based): chr9:95,915,780, G>T. VCF-style: chr9-95915780-G-T. GRCh37 (hg19) VCF-style: chr9-98678062-G-T.
Other names: c.901G>T, p.Gly301Ter (NM_001010895.4, NM_001375291.1, NM_001375292.1 and 2 more transcripts); c.934G>T (NM_001010895.2); short protein forms G301*.
Identifiers: ClinVar variation 3003841 (VCV003003841.5), dbSNP rs1829555179, ClinGen allele CA374122410.